The following is an entry in ClinVar:

NM_001080449.3(DNA2):c.74+13G>C

Gene: DNA2 (DNA replication helicase/nuclease 2; minus strand). Cytogenetic location: 10q21.3.
Variant type: single nucleotide variant.
Coding change: c.74+13G>C on transcript NM_001080449.3 (MANE Select); 13 bases into the intron after coding-DNA position 74, G replaced by C.
Molecular consequence: intron variant.
Genome position (GRCh38, 1-based): chr10:68,471,778, C>G on the plus strand (G>C on the coding strand, the complement: DNA2 is on the minus strand). VCF-style: chr10-68471778-C-G. GRCh37 (hg19) VCF-style: chr10-70231535-C-G.
Identifiers: ClinVar variation 389190 (VCV000389190.11), dbSNP rs370226465, ClinGen allele CA5525401.

ClinVar aggregate classification (germline): Benign/Likely benign. Review status: criteria provided, multiple submitters, no conflicts (2 of 4 stars). 3 submissions from 3 submitters: Benign (1); Likely benign (2). Last evaluated 2026-01-19.

Allele frequency attached by ClinVar (database versions not stated): 1000 Genomes Project 0.00100; 1000 Genomes Project 30x 0.00156; ESP Exome Variant Server 0.00174; TOPMed 0.00206.
gnomAD v4.1: 535 of 1,590,252 alleles (0.034%); highest among the groups gnomAD compares: African/African-American, 0.57%; 1 homozygote.

Submissions (3):

Labcorp Genetics (formerly Invitae), Labcorp
Classification: Benign. Last evaluated: 2026-01-19. Review status: criteria provided, single submitter. Criteria: Invitae Variant Classification Sherloc (09022015). Collection method: clinical testing. Allele origin: germline.

Blueprint Genetics
Classification: Likely benign. Last evaluated: 2024-09-09. Review status: criteria provided, single submitter. Criteria: ACMG Guidelines, 2015. Collection method: clinical testing. Allele origin: germline.

GeneDx
Classification: Likely benign. Last evaluated: 2017-04-25. Review status: criteria provided, single submitter. Criteria: GeneDx Variant Classification (06012015). Collection method: clinical testing. Allele origin: germline. Affected: yes.
Comment: This variant is considered likely benign or benign based on one or more of the following criteria: it is a conservative change, it occurs at a poorly conserved position in the protein, it is predicted to be benign by multiple in silico algorithms, and/or has population frequency not consistent with disease.